The following is an entry in ClinVar:

NM_001277115.2(DNAH11):c.426_427del (p.Gln144fs)

Gene: DNAH11 (dynein axonemal heavy chain 11; plus strand). Cytogenetic location: 7p15.3.
Variant type: Deletion.
Coding change: c.426_427del on transcript NM_001277115.2 (MANE Select); coding-DNA positions 426 to 427, 2 bases deleted (TT; older notation c.426_427delTT).
Protein change: p.Gln144fs; shifts the reading frame from glutamine 144.
Molecular consequence: frameshift variant.
Genome position (GRCh38, 1-based): chr7:21,545,080-21,545,081, TT deleted; deleting any 2 consecutive bases within chr7:21,545,078-21,545,081 gives the same sequence; the c. name uses the placement nearest the transcript's 3' end. VCF-style (leftmost placement, unchanged base first): chr7-21545077-CTT-C. GRCh37 (hg19) VCF-style: chr7-21584695-CTT-C.
Other names: short protein forms Q144fs.
Identifiers: ClinVar variation 3747860 (VCV003747860.2).

ClinVar aggregate classification (germline): Likely pathogenic (1 of 4 stars; one submission).

Conditions:
Primary ciliary dyskinesia 7. Also called: CILIARY DYSKINESIA, PRIMARY, 7, WITH OR WITHOUT SITUS INVERSUS. Identifiers: Orphanet 244, MedGen C2678473, MONDO:0012748, OMIM 611884.

Submission:

Genomics, Clalit Research Institute, Clalit Health Care
Classification: Likely pathogenic for Primary ciliary dyskinesia 7. Last evaluated: 2024-12-06. Review status: criteria provided, single submitter. Criteria: ACMG Guidelines, 2015. Collection method: clinical testing. Allele origin: germline. Inheritance: Autosomal recessive inheritance. Affected: yes.
Comment: Inheritance: The variant was identified in the Heterozygous state in the sample. Frequency: The variant is absent from the gnomAD reference population dataset. Variant type: Null variant (frameshift indel) in a gene where LOF is a known mechanism of disease. Predicted to undergo NMD. Clinical evidence: To date, the variant has not been described by reputable sources or in the primary literature.